The following is an entry in ClinVar:

ClinVar aggregate classification (germline): Pathogenic/Likely pathogenic. Review status: criteria provided, multiple submitters, no conflicts (2 of 4 stars). 2 submissions from 2 submitters: Pathogenic (1); Likely pathogenic (1). Last evaluated 2022-11-17.

Conditions:
Congenital lactic acidosis, Saguenay-Lac-Saint-Jean type (MC4DN5). Also called: MITOCHONDRIAL COMPLEX IV DEFICIENCY, NUCLEAR TYPE 5; CYTOCHROME c OXIDASE DEFICIENCY, FRENCH CANADIAN TYPE; COX DEFICIENCY, FRENCH CANADIAN TYPE. Identifiers: Orphanet 70472, MedGen C1857355, MONDO:0009069, OMIM 220111.

gnomAD v4.1: 1 of 1,612,624 alleles (0.000062%); highest among the groups gnomAD compares: Non-Finnish European, 0.000085%; no homozygotes.

Submissions (2):

Baylor Genetics
Classification: Likely pathogenic for Congenital lactic acidosis, Saguenay-Lac-Saint-Jean type. Last evaluated: 2022-11-17. Review status: criteria provided, single submitter. Criteria: ACMG Guidelines, 2015. Collection method: clinical testing. Allele origin: unknown.

Labcorp Genetics (formerly Invitae), Labcorp
Classification: Pathogenic. Last evaluated: 2022-08-19. Review status: criteria provided, single submitter. Criteria: Invitae Variant Classification Sherloc (09022015). Collection method: clinical testing. Allele origin: germline.
Comment: For these reasons, this variant has been classified as Pathogenic. Algorithms developed to predict the effect of sequence changes on RNA splicing suggest that this variant may disrupt the consensus splice site. This variant has not been reported in the literature in individuals affected with LRPPRC-related conditions. This variant is not present in population databases (gnomAD no frequency). This sequence change creates a premature translational stop signal (p.Trp1015*) in the LRPPRC gene. It is expected to result in an absent or disrupted protein product. Loss-of-function variants in LRPPRC are known to be pathogenic (PMID: 26510951).

Literature cited by the submitters: PubMed 26510951 (cited by Labcorp Genetics (formerly Invitae), Labcorp).

NM_133259.4(LRPPRC):c.3044G>A (p.Trp1015Ter)

Gene: LRPPRC (leucine rich pentatricopeptide repeat containing; minus strand). Cytogenetic location: 2p21.
Variant type: single nucleotide variant.
Coding change: c.3044G>A on transcript NM_133259.4 (MANE Select); coding-DNA position 3044, G replaced by A.
Protein change: p.Trp1015Ter; replaces tryptophan 1015 with a stop codon.
Molecular consequence: nonsense.
Genome position (GRCh38, 1-based): chr2:43,918,129, C>T on the plus strand (G>A on the coding strand, the complement: LRPPRC is on the minus strand). VCF-style: chr2-43918129-C-T. GRCh37 (hg19) VCF-style: chr2-44145268-C-T.
Other names: short protein forms W1015*.
Identifiers: ClinVar variation 2024898 (VCV002024898.5), dbSNP rs148112476, ClinGen allele CA346668359.
Genomic context (GRCh38, chr2:43,918,129, plus strand): 5'-AAATCAGGTTCTGTGGTTGAGGCTGACGAAGAATTCAGGGAATGTTTTTCATCTTCATAC[C>T]ACAACTTTAAAACAAAGTTATTCTGTTAAATAAAAACTGGTAATCTTTTCAATATAAAAG-3'